The following is an entry in ClinVar:

NM_004959.5(NR5A1):c.910G>A (p.Glu304Lys)

Gene: NR5A1 (nuclear receptor subfamily 5 group A member 1; minus strand). Cytogenetic location: 9q33.3.
Variant type: single nucleotide variant.
Coding change: c.910G>A on transcript NM_004959.5 (MANE Select); coding-DNA position 910, G replaced by A.
Protein change: p.Glu304Lys; replaces glutamic acid 304 with lysine.
Molecular consequence: missense variant.
Genome position (GRCh38, 1-based): chr9:124,493,110, C>T on the plus strand (G>A on the coding strand, the complement: NR5A1 is on the minus strand). VCF-style: chr9-124493110-C-T. GRCh37 (hg19) VCF-style: chr9-127255389-C-T.
Other names: short protein forms E304K.
Identifiers: ClinVar variation 1700702 (VCV001700702.3), dbSNP rs745564225, ClinGen allele CA5235350.

ClinVar aggregate classification (germline): Uncertain significance (1 of 4 stars; one submission).

Allele frequency attached by ClinVar (database versions not stated): gnomAD exomes below 0.00001; TOPMed below 0.00001; ExAC 0.00001; gnomAD 0.00001.
gnomAD v4.1: 4 of 1,612,106 alleles (0.00025%); highest among the groups gnomAD compares: African/African-American, 0.0027%; no homozygotes.

Submission:

Centre of Medical Genetics, University Hospital Muenster
Classification: Uncertain significance. Last evaluated: 2022-06-23. Review status: criteria provided, single submitter. Criteria: ACMG Guidelines, 2015. Collection method: clinical testing. Allele origin: unknown. Affected: yes. Observed: 1 variant allele, 1 heterozygote.
Comment: ACMG categories: PM2,PP3